The following is an entry in ClinVar:

NM_022489.4(INF2):c.271C>G (p.Arg91Gly)

Gene: INF2 (inverted formin 2; plus strand). Cytogenetic location: 14q32.33.
Variant type: single nucleotide variant.
Coding change: c.271C>G on transcript NM_022489.4 (MANE Select); coding-DNA position 271, C replaced by G.
Protein change: p.Arg91Gly; replaces arginine 91 with glycine.
Molecular consequence: missense variant.
Genome position (GRCh38, 1-based): chr14:104,701,636, C>G. VCF-style: chr14-104701636-C-G. GRCh37 (hg19) VCF-style: chr14-105167973-C-G.
Other names: c.271C>G, p.Arg91Gly (NM_001031714.4, NM_032714.3); short protein forms R91G.
Identifiers: ClinVar variation 841546 (VCV000841546.11), dbSNP rs200247054, ClinGen allele CA391225705.

ClinVar aggregate classification (germline): Pathogenic/Likely pathogenic. Review status: criteria provided, multiple submitters, no conflicts (2 of 4 stars). 2 submissions from 2 submitters: Pathogenic (1); Likely pathogenic (1). Last evaluated 2025-11-09.

Conditions:
Focal segmental glomerulosclerosis 5 (FSGS5). Identifiers: Orphanet 656, MedGen C2750475, MONDO:0013191, OMIM 613237.
Charcot-Marie-Tooth disease dominant intermediate E. Also called: CHARCOT-MARIE-TOOTH NEUROPATHY WITH FOCAL SEGMENTAL GLOMERULONEPHRITIS. Identifiers: Orphanet 93114, MedGen C4302667, MONDO:0013758, OMIM 614455.
Inborn genetic diseases. Identifiers: MedGen C0950123, MeSH D030342.

Submissions (2):

Labcorp Genetics (formerly Invitae), Labcorp
Classification: Pathogenic for Charcot-Marie-Tooth disease dominant intermediate E; Focal segmental glomerulosclerosis 5. Last evaluated: 2025-11-09. Review status: criteria provided, single submitter. Criteria: Invitae Variant Classification Sherloc (09022015). Collection method: clinical testing. Allele origin: germline.
Comment: This sequence change replaces arginine, which is basic and polar, with glycine, which is neutral and non-polar, at codon 91 of the INF2 protein (p.Arg91Gly). This variant is not present in population databases (gnomAD no frequency). This missense change has been observed in individuals with Charcot-Marie-Tooth disease (PMID: 30680856; internal data). It has also been observed to segregate with disease in related individuals. ClinVar contains an entry for this variant (Variation ID: 841546). Invitae Evidence Modeling of protein sequence and biophysical properties (such as structural, functional, and spatial information, amino acid conservation, physicochemical variation, residue mobility, and thermodynamic stability) has been performed for this missense variant. However, the output from this modeling did not meet the statistical confidence thresholds required to predict the impact of this variant on INF2 protein function. For these reasons, this variant has been classified as Pathogenic.

Ambry Genetics
Classification: Likely pathogenic for Inborn genetic diseases. Last evaluated: 2021-09-27. Review status: criteria provided, single submitter. Criteria: Ambry Variant Classification Scheme 2023. Collection method: clinical testing. Allele origin: germline.
Comment: The p.R91G variant (also known as c.271C>G), located in coding exon 1 of the INF2 gene, results from a C to G substitution at nucleotide position 271. The arginine at codon 91 is replaced by glycine, an amino acid with dissimilar properties. This variant was found to segregate with childhood-onset Charcot-Marie-Tooth disease in one family. Additionally, RNA studies demonstrated that this alteration results in a transcript predicted to lead to a protein with an in-frame deletion of 40 amino acids; however, the exact functional impact of the deleted amino acids is unknown at this time (Echaniz-Laguna A et al. J Peripher Nerv Syst, 2019 03;24:120-124). This variant is considered to be rare based on population cohorts in the Genome Aggregation Database (gnomAD). This amino acid position is well conserved in available vertebrate species. In addition, the in silico prediction for this alteration is inconclusive. Based on the majority of available evidence to date, this variant is likely to be pathogenic.

Literature cited by the submitters: PubMed 30680856 (cited by Labcorp Genetics (formerly Invitae), Labcorp and Ambry Genetics).